The following is an entry in ClinVar:

ClinVar aggregate classification (germline): Uncertain significance (1 of 4 stars; one submission).

Conditions:
Cardiovascular phenotype. Identifiers: MedGen CN230736.

Submission:

Ambry Genetics
Classification: Uncertain significance for Cardiovascular phenotype. Last evaluated: 2026-08-08. Review status: criteria provided, single submitter. Criteria: Ambry Variant Classification Scheme 2023. Collection method: clinical testing. Allele origin: germline.
Comment: The p.G431A variant (also known as c.1292G>C), located in coding exon 5 of the ALPK3 gene, results from a G to C substitution at nucleotide position 1292. The glycine at codon 431 is replaced by alanine, an amino acid with similar properties. This amino acid position is conserved. In addition, this alteration is predicted to be tolerated by in silico analysis. Based on the available evidence, the clinical significance of this variant remains unclear.

NM_020778.5(ALPK3):c.686G>C (p.Gly229Ala)

Gene: ALPK3 (alpha kinase 3; plus strand). Cytogenetic location: 15q25.3.
Variant type: single nucleotide variant.
Coding change: c.686G>C on transcript NM_020778.5 (MANE Select); coding-DNA position 686, G replaced by C.
Protein change: p.Gly229Ala; replaces glycine 229 with alanine.
Molecular consequence: missense variant.
Genome position (GRCh38, 1-based): chr15:84,839,965, G>C. VCF-style: chr15-84839965-G-C. GRCh37 (hg19) VCF-style: chr15-85383196-G-C.
Other names: short protein forms G229A.
Identifiers: ClinVar variation 5036575 (VCV005036575.1).